The following is an entry in ClinVar:

NM_014956.5(CEP164):c.1409+6A>G

Gene: CEP164 (centrosomal protein 164; plus strand). Cytogenetic location: 11q23.3.
Variant type: single nucleotide variant.
Coding change: c.1409+6A>G on transcript NM_014956.5 (MANE Select); 6 bases into the intron after coding-DNA position 1409, A replaced by G.
Molecular consequence: intron variant. On other transcripts: missense variant (1).
Genome position (GRCh38, 1-based): chr11:117,380,711, A>G. VCF-style: chr11-117380711-A-G. GRCh37 (hg19) VCF-style: chr11-117251427-A-G.
Other names: c.1415A>G, p.His472Arg (NM_001271933.2); c.1415A>G (NM_001271933.1); short protein forms H472R.
Identifiers: ClinVar variation 955130 (VCV000955130.7), dbSNP rs762497915, ClinGen allele CA6294730.

ClinVar aggregate classification (germline): Uncertain significance. Review status: criteria provided, multiple submitters, no conflicts (2 of 4 stars). 2 submissions from 2 submitters: Uncertain significance (2). Last evaluated 2025-10-15.

Conditions:
CEP164-related disorder. Also called: CEP164-related condition.
Nephronophthisis 15 (NPHP15). Identifiers: Orphanet 3156, MedGen C3541853, MONDO:0013917, OMIM 614845.

Allele frequency attached by ClinVar (database versions not stated): gnomAD 0.00001; gnomAD exomes 0.00001 and 0.00003; TOPMed 0.00001; ExAC 0.00007.
gnomAD v4.1: 20 of 1,597,878 alleles (0.0013%); highest among the groups gnomAD compares: East Asian, 0.025%; no homozygotes.

Submissions (2):

PreventionGenetics, part of Exact Sciences
Classification: Uncertain significance for CEP164-related condition. Last evaluated: 2025-10-15. Review status: criteria provided, single submitter. Criteria: ACMG Guidelines, 2015. Collection method: clinical testing. Allele origin: germline.
Comment: The CEP164 c.1415A>G variant is predicted to result in the amino acid substitution p.His472Arg. In an alternate transcript (NM_014956.4) this variant this variant is found within an intronic region (c.1409+6A>G). To our knowledge, this variant has not been reported in the literature. This variant is reported in 0.018% of alleles in individuals of East Asian descent in gnomAD. At this time, the clinical significance of this variant is uncertain due to the absence of conclusive functional and genetic evidence.

Labcorp Genetics (formerly Invitae), Labcorp
Classification: Uncertain significance for Nephronophthisis 15. Last evaluated: 2024-01-29. Review status: criteria provided, single submitter. Criteria: Invitae Variant Classification Sherloc (09022015). Collection method: clinical testing. Allele origin: germline.
Comment: This sequence change falls in intron 12 of the CEP164 gene. It does not directly change the encoded amino acid sequence of the CEP164 protein. It affects a nucleotide within the consensus splice site. This variant is present in population databases (rs762497915, gnomAD 0.02%). This variant has not been reported in the literature in individuals affected with CEP164-related conditions. ClinVar contains an entry for this variant (Variation ID: 955130). Variants that disrupt the consensus splice site are a relatively common cause of aberrant splicing (PMID: 17576681, 9536098). Algorithms developed to predict the effect of sequence changes on RNA splicing suggest that this variant is not likely to affect RNA splicing. In summary, the available evidence is currently insufficient to determine the role of this variant in disease. Therefore, it has been classified as a Variant of Uncertain Significance.

Literature cited by the submitters: PubMed 17576681 (cited by Labcorp Genetics (formerly Invitae), Labcorp); PubMed 9536098 (cited by Labcorp Genetics (formerly Invitae), Labcorp).